The following is an entry in ClinVar:

NM_001394073.1(HS6ST2):c.1011C>T (p.Asn337=)

Genes: HS6ST2 (heparan sulfate 6-O-sulfotransferase 2; minus strand), HS6ST2-AS1 (HS6ST2 antisense RNA 1; plus strand). Cytogenetic location: Xq26.2.
Variant type: single nucleotide variant.
Coding change: c.1011C>T on transcript NM_001394073.1 (MANE Select); coding-DNA position 1011, C replaced by T.
Protein change: p.Asn337=; no amino-acid change (asparagine 337 retained).
Molecular consequence: synonymous variant. On other transcripts: intron variant (2).
Genome position (GRCh38, 1-based): chrX:132,669,169, G>A on the plus strand (C>T on the coding strand, the complement: HS6ST2 is on the minus strand). VCF-style: chrX-132669169-G-A. GRCh37 (hg19) VCF-style: chrX-131803197-G-A.
Other names: c.1011C>T, p.Asn337= (NM_001077188.2); c.948-40076C>T (NM_147175.4, NM_001394074.1).
Identifiers: ClinVar variation 2661454 (VCV002661454.24), dbSNP rs369708094, ClinGen allele CA10519557.
Genomic context (GRCh38, chrX:132,669,169, plus strand): 5'-TTACTTCCCACTCTTAGATGTGTTCCGGGTCTTTGTGGATGACGGAGAGTTGGCGCCTGC[G>A]TTAGTGTTTGGAGAACCCCGTTTATCCTTACTATACCCACAGAAAGAATAGAAAACATAT-3'
Protein context (NP_001381002.1, residues 327-347): SKDKRGSPNT[Asn337=]AGANSPSSTK

ClinVar aggregate classification (germline): Likely benign (1 of 4 stars; one submission).

Allele frequency attached by ClinVar (database versions not stated): TOPMed 0.00002; gnomAD 0.00006; gnomAD exomes 0.00008; ExAC 0.00020.
gnomAD v4.1: 88 of 1,207,049 alleles (0.0073%); highest among the groups gnomAD compares: South Asian, 0.12%; 1 homozygote.

Submission:

CeGaT Center for Human Genetics Tuebingen
Classification: Likely benign. Last evaluated: 2022-09-01. Review status: criteria provided, single submitter. Criteria: CeGaT Center For Human Genetics Tuebingen Variant Classification Criteria Version 2. Collection method: clinical testing. Allele origin: germline. Affected: yes. Observed: 1 variant allele.
Comment: HS6ST2: BP4, BP7